The following is an entry in ClinVar:

NM_000161.3(GCH1):c.626+3_626+4insTT

Gene: GCH1 (GTP cyclohydrolase 1; minus strand). Cytogenetic location: 14q22.2.
Variant type: Insertion.
Coding change: c.626+3_626+4insTT on transcript NM_000161.3 (MANE Select); bases 3 to 4 of the intron after coding-DNA position 626, TT inserted.
Molecular consequence: intron variant.
Genome position: GRCh38 VCF-style: chr14-54845764-T-TAA. GRCh37 (hg19) VCF-style: chr14-55312482-T-TAA.
Other names: c.510-2711_510-2710insTT (NM_001424104.1); c.626+3_626+4insTT (NM_001024071.2, NM_001024070.2, NM_001024024.2); c.332+3_332+4insTT (NM_001424105.1).
Identifiers: ClinVar variation 4085339 (VCV004085339.8).

ClinVar aggregate classification (germline): Uncertain significance (1 of 4 stars; one submission).

Submission:

CeGaT Center for Human Genetics Tuebingen
Classification: Uncertain significance. Last evaluated: 2026-05-01. Review status: criteria provided, single submitter. Criteria: CeGaT Center For Human Genetics Tuebingen Variant Classification Criteria Version 2. Collection method: clinical testing. Allele origin: germline. Affected: yes. Observed: 2 variant alleles.
Comment: GCH1: PM2, PP3, PP4, PS1:Supporting